The following is an entry in ClinVar:

ClinVar aggregate classification (germline): Pathogenic (1 of 4 stars; one submission).

Conditions:
Autoimmune lymphoproliferative syndrome type 1. Also called: AUTOIMMUNE LYMPHOPROLIFERATIVE SYNDROME, TYPE I, AUTOSOMAL DOMINANT. Identifiers: Orphanet 3261, MedGen C2717884, MONDO:0011158, OMIM 601859.

Submission:

Labcorp Genetics (formerly Invitae), Labcorp
Classification: Pathogenic for Autoimmune lymphoproliferative syndrome. Last evaluated: 2021-03-28. Review status: criteria provided, single submitter. Criteria: Invitae Variant Classification Sherloc (09022015). Collection method: clinical testing. Allele origin: germline.
Comment: This sequence change creates a premature translational stop signal (p.Arg105*) in the FAS gene. It is expected to result in an absent or disrupted protein product. Loss-of-function variants in FAS are known to be pathogenic (PMID: 10875918, 22237435). This variant is not present in population databases (ExAC no frequency). This variant has not been reported in the literature in individuals with FAS-related conditions. For these reasons, this variant has been classified as Pathogenic.

Literature cited by the submitters: PubMed 10875918; PubMed 22237435.

NM_000043.6(FAS):c.312dup (p.Arg105Ter)

Gene: FAS (Fas cell surface death receptor; plus strand). Cytogenetic location: 10q23.31.
Variant type: Duplication.
Coding change: c.312dup on transcript NM_000043.6 (MANE Select); coding-DNA position 312, one base duplicated (T; older notation c.312dupT).
Protein change: p.Arg105Ter; replaces arginine 105 with a stop codon.
Molecular consequence: nonsense. On other transcripts: non-coding transcript variant (4).
Genome position (GRCh38, 1-based): chr10:89,007,815, T duplicated. VCF-style (leftmost placement, unchanged base first): chr10-89007814-G-GT. GRCh37 (hg19) VCF-style: chr10-90767571-G-GT.
Other names: c.312dup, p.Arg105Ter (NM_001320619.2, NM_152871.4, NM_152872.4); short protein forms R105*.
Identifiers: ClinVar variation 1443489 (VCV001443489.1), dbSNP rs2133503921, ClinGen allele CA2573145870.